The following is an entry in ClinVar:

NM_001349338.3(FOXP1):c.1525T>C (p.Trp509Arg)

Genes: FOXP1 (forkhead box P1; minus strand), LOC126806714 (BRD4-independent group 4 enhancer GRCh37_chr3:71025197-71026396; plus strand). Cytogenetic location: 3p13.
Variant type: single nucleotide variant.
Coding change: c.1525T>C on transcript NM_001349338.3 (MANE Select); coding-DNA position 1525, T replaced by C.
Protein change: p.Trp509Arg; replaces tryptophan 509 with arginine.
Molecular consequence: missense variant. On other transcripts: non-coding transcript variant (2).
Genome position (GRCh38, 1-based): chr3:70,976,946, A>G on the plus strand (T>C on the coding strand, the complement: FOXP1 is on the minus strand). VCF-style: chr3-70976946-A-G. GRCh37 (hg19) VCF-style: chr3-71026097-A-G.
Other names: c.1522T>C, p.Trp508Arg (NM_001244808.3, NM_001349341.3); c.1525T>C, p.Trp509Arg (NM_001244810.2, NM_001244814.3, NM_001244816.2 and 3 more transcripts); c.1297T>C, p.Trp433Arg (NM_001244812.3); c.1225T>C, p.Trp409Arg (NM_001244813.3, NM_001244815.2, NM_001349342.3); c.1222T>C, p.Trp408Arg (NM_001349337.2, NM_001349343.3, NM_001349344.3 and 1 more transcripts); c.1525T>C (NM_032682.5); short protein forms W408R, W509R, W409R, W433R, W508R.
Identifiers: ClinVar variation 2866446 (VCV002866446.4), dbSNP rs2545109384, ClinGen allele CA353492649.

ClinVar aggregate classification (germline): Uncertain significance. Review status: criteria provided, multiple submitters, no conflicts (2 of 4 stars). 2 submissions from 2 submitters: Uncertain significance (2). Last evaluated 2023-10-26.

Submissions (2):

GeneDx
Classification: Uncertain significance. Last evaluated: 2023-10-26. Review status: criteria provided, single submitter. Criteria: GeneDx Variant Classification Process June 2021. Collection method: clinical testing. Allele origin: germline. Affected: yes.
Comment: Not observed at significant frequency in large population cohorts (gnomAD); In silico analysis supports that this missense variant has a deleterious effect on protein structure/function; Has not been previously published as pathogenic or benign to our knowledge

Labcorp Genetics (formerly Invitae), Labcorp
Classification: Uncertain significance. Last evaluated: 2023-05-20. Review status: criteria provided, single submitter. Criteria: Invitae Variant Classification Sherloc (09022015). Collection method: clinical testing. Allele origin: germline.
Comment: This sequence change replaces tryptophan, which is neutral and slightly polar, with arginine, which is basic and polar, at codon 509 of the FOXP1 protein (p.Trp509Arg). This variant is not present in population databases (gnomAD no frequency). This variant has not been reported in the literature in individuals affected with FOXP1-related conditions. Advanced modeling of protein sequence and biophysical properties (such as structural, functional, and spatial information, amino acid conservation, physicochemical variation, residue mobility, and thermodynamic stability) performed at Invitae indicates that this missense variant is expected to disrupt FOXP1 protein function. In summary, the available evidence is currently insufficient to determine the role of this variant in disease. Therefore, it has been classified as a Variant of Uncertain Significance.